The following is an entry in ClinVar:

NC_000015.9:g.(?_89395005)_(89395284_?)del

Gene: ACAN (aggrecan; plus strand). Cytogenetic location: 15q26.1.
Variant type: Deletion.
Identifiers: ClinVar variation 2425828 (VCV002425828.3).

ClinVar aggregate classification (germline): Uncertain significance (1 of 4 stars; one submission).

Submission:

Labcorp Genetics (formerly Invitae), Labcorp
Classification: Uncertain significance. Last evaluated: 2022-08-05. Review status: criteria provided, single submitter. Criteria: Invitae Variant Classification Sherloc (09022015). Collection method: clinical testing. Allele origin: germline.
Comment: In summary, the available evidence is currently insufficient to determine the role of this variant in disease. Therefore, it has been classified as a Variant of Uncertain Significance. This variant disrupts a region of the ACAN protein in which other variant(s) (p.Thr740Ser) have been observed in individuals with ACAN-related conditions (PMID: 29464738). This suggests that this is a clinically significant region of the protein, and that variants that disrupt it are likely to be disease-causing. Experimental studies and prediction algorithms are not available or were not evaluated, and the functional significance of this variant is currently unknown. This variant has not been reported in the literature in individuals affected with ACAN-related conditions. This variant is a gross deletion of the genomic region encompassing exon(s) 11 of the ACAN gene. This variant would be expected to be in-frame, preserving the integrity of the reading frame.

Literature cited by the submitters: PubMed 29464738.